The following is an entry in ClinVar:

ClinVar aggregate classification (germline): Uncertain significance (1 of 4 stars; one submission).

Conditions:
Autosomal recessive polycystic kidney disease (ARPKD). Also called: AR polycystic kidney disease. Identifiers: Orphanet 731, Orphanet 8378, MedGen C0085548, MeSH D017044, MONDO:0009889.

Allele frequency attached by ClinVar (database versions not stated): ExAC 0.00001; gnomAD 0.00001; gnomAD exomes 0.00001 and 0.00002.
gnomAD v4.1: 27 of 1,606,376 alleles (0.0017%); highest among the groups gnomAD compares: African/African-American, 0.0027%; no homozygotes.

Submission:

Labcorp Genetics (formerly Invitae), Labcorp
Classification: Uncertain significance for Autosomal recessive polycystic kidney disease. Last evaluated: 2021-08-28. Review status: criteria provided, single submitter. Criteria: Invitae Variant Classification Sherloc (09022015). Collection method: clinical testing. Allele origin: germline.
Comment: This sequence change replaces isoleucine with valine at codon 11 of the PKHD1 protein (p.Ile11Val). The isoleucine residue is weakly conserved and there is a small physicochemical difference between isoleucine and valine. This variant is present in population databases (rs765389565, ExAC 0.001%). This variant has not been reported in the literature in individuals affected with PKHD1-related conditions. Algorithms developed to predict the effect of missense changes on protein structure and function output the following: SIFT: "Tolerated"; PolyPhen-2: "Benign"; Align-GVGD: "Class C0". The valine amino acid residue is found in multiple mammalian species, which suggests that this missense change does not adversely affect protein function. In summary, the available evidence is currently insufficient to determine the role of this variant in disease. Therefore, it has been classified as a Variant of Uncertain Significance.

NM_138694.4(PKHD1):c.31A>G (p.Ile11Val)

Gene: PKHD1 (PKHD1 ciliary IPT domain containing fibrocystin/polyductin; minus strand). Cytogenetic location: 6p12.2.
Variant type: single nucleotide variant.
Coding change: c.31A>G on transcript NM_138694.4 (MANE Select); coding-DNA position 31, A replaced by G.
Protein change: p.Ile11Val; replaces isoleucine 11 with valine.
Molecular consequence: missense variant.
Genome position (GRCh38, 1-based): chr6:52,084,903, T>C on the plus strand (A>G on the coding strand, the complement: PKHD1 is on the minus strand). VCF-style: chr6-52084903-T-C. GRCh37 (hg19) VCF-style: chr6-51949701-T-C.
Other names: c.31A>G, p.Ile11Val (NM_170724.3); short protein forms I11V.
Identifiers: ClinVar variation 1442656 (VCV001442656.5), dbSNP rs765389565, ClinGen allele CA3854075.